The following is an entry in ClinVar:

ClinVar aggregate classification (germline): Pathogenic (1 of 4 stars; one submission).

Submission:

Labcorp Genetics (formerly Invitae), Labcorp
Classification: Pathogenic. Last evaluated: 2025-06-16. Review status: criteria provided, single submitter. Criteria: Invitae Variant Classification Sherloc (09022015). Collection method: clinical testing. Allele origin: germline.
Comment: This sequence change creates a premature translational stop signal (p.Glu1144Metfs*3) in the NSD1 gene. It is expected to result in an absent or disrupted protein product. Loss-of-function variants in NSD1 are known to be pathogenic (PMID: 12464997, 14571271, 15942875, 16247291). This variant is not present in population databases (gnomAD no frequency). This variant has not been reported in the literature in individuals affected with NSD1-related conditions. For these reasons, this variant has been classified as Pathogenic.

Literature cited by the submitters: PubMed 12464997; PubMed 14571271; PubMed 15942875; PubMed 16247291.

NM_022455.5(NSD1):c.3427_3442del (p.Glu1144fs)

Gene: NSD1 (nuclear receptor binding SET domain protein 1; plus strand). Cytogenetic location: 5q35.3.
Variant type: Deletion.
Coding change: c.3427_3442del on transcript NM_022455.5 (MANE Select); coding-DNA positions 3427 to 3442, 16 bases deleted (AGTGAGAATGATGAAC).
Protein change: p.Glu1144fs; shifts the reading frame from glutamic acid 1144.
Molecular consequence: frameshift variant.
Genome position (GRCh38, 1-based): chr5:177,211,826-177,211,841, AGTGAGAATGATGAAC deleted; deleting any 16 consecutive bases within chr5:177,211,820-177,211,841 gives the same sequence; the c. name uses the placement nearest the transcript's 3' end. VCF-style (leftmost placement, unchanged base first): chr5-177211819-AATGAACAGTGAGAATG-A. GRCh37 (hg19) VCF-style: chr5-176638820-AATGAACAGTGAGAATG-A.
Other names: c.2554_2569del, p.Glu853fs (NM_001365684.2, NM_001409306.1, NM_001409307.1 and 3 more transcripts); c.3427_3442del, p.Glu1144fs (NM_001409301.1, NM_001409302.1, NM_001409303.1); c.3007_3022del, p.Glu1004fs (NM_001409304.1); c.2674_2689del, p.Glu893fs (NM_001409305.1); short protein forms E1004fs, E1144fs, E853fs, E893fs.
Identifiers: ClinVar variation 4721149 (VCV004721149.1).